The following is an entry in ClinVar:

NM_001673.5(ASNS):c.1138-8T>C

Genes: ASNS (asparagine synthetase (glutamine-hydrolyzing); minus strand), CZ1P-ASNS (CZ1P-ASNS readthrough; minus strand). Cytogenetic location: 7q21.3.
Variant type: single nucleotide variant.
Coding change: c.1138-8T>C on transcript NM_001673.5 (MANE Select); 8 bases into the intron before coding-DNA position 1138, T replaced by C.
Molecular consequence: intron variant. On other transcripts: non-coding transcript variant (1).
Genome position (GRCh38, 1-based): chr7:97,854,688, A>G on the plus strand (T>C on the coding strand, the complement: ASNS is on the minus strand). VCF-style: chr7-97854688-A-G. GRCh37 (hg19) VCF-style: chr7-97484000-A-G.
Other names: c.1138-8T>C (NM_183356.4, NM_133436.3, NM_001352496.2); c.889-8T>C (NM_001178077.1, NM_001178076.2); c.1075-8T>C (NM_001178075.2).
Identifiers: ClinVar variation 1534267 (VCV001534267.8), dbSNP rs2115608872, ClinGen allele CA2573142476.

ClinVar aggregate classification (germline): Conflicting classifications of pathogenicity. Review status: criteria provided, conflicting classifications (1 of 4 stars). 2 submissions from 2 submitters: Uncertain significance (1); Likely benign (1). Last evaluated 2021-08-07.

Conditions:
Congenital microcephaly - severe encephalopathy - progressive cerebral atrophy syndrome. Also called: ASNS DEFICIENCY; Asparagine synthetase deficiency. Identifiers: Orphanet 391376, MedGen C3809971, MONDO:0014258, OMIM 615574.

Submissions (2):

Labcorp Genetics (formerly Invitae), Labcorp
Classification: Likely benign. Last evaluated: 2021-08-07. Review status: criteria provided, single submitter. Criteria: Invitae Variant Classification Sherloc (09022015). Collection method: clinical testing. Allele origin: germline.

Center for Genomics, Ann and Robert H. Lurie Children's Hospital of Chicago
Classification: Uncertain significance for Congenital microcephaly - severe encephalopathy - progressive cerebral atrophy syndrome. Last evaluated: 2021-03-30. Review status: criteria provided, single submitter. Criteria: ACMG Guidelines, 2015. Collection method: clinical testing. Allele origin: germline.
Comment: ASNS NM_133436.3 intron 9 c.1138-8T>C: This variant has not been reported in the literature and is not present in large control databases. Evolutionary conservation and computational predictive tools for this variant are limited or unavailable. Although this variant occurs in the splice region, computational prediction tools do not suggest that it alters splicing. However, further studies are needed to understand its impact. In summary, data on this variant is insufficient for disease classification. Therefore, the clinical significance of this variant is uncertain.